The following is an entry in ClinVar:

NM_001110556.2(FLNA):c.6174C>T (p.His2058=)

Gene: FLNA (filamin A; minus strand). Cytogenetic location: Xq28.
Variant type: single nucleotide variant.
Coding change: c.6174C>T on transcript NM_001110556.2 (MANE Select); coding-DNA position 6174, C replaced by T.
Protein change: p.His2058=; no amino-acid change (histidine 2058 retained).
Molecular consequence: synonymous variant.
Genome position (GRCh38, 1-based): chrX:154,353,053, G>A on the plus strand (C>T on the coding strand, the complement: FLNA is on the minus strand). VCF-style: chrX-154353053-G-A. GRCh37 (hg19) VCF-style: chrX-153581421-G-A.
Other names: p.His2050=; c.6150C>T, p.His2050= (NM_001456.4).
Identifiers: ClinVar variation 1751888 (VCV001751888.6), dbSNP rs781856226, ClinGen allele CA10560154.

ClinVar aggregate classification (germline): Benign/Likely benign. Review status: criteria provided, multiple submitters, no conflicts (2 of 4 stars). 3 submissions from 3 submitters: Benign (1); Likely benign (2). Last evaluated 2025-10-21.

Conditions:
Familial thoracic aortic aneurysm and aortic dissection (TAAD). Also called: Thoracic aortic aneurysms and dissections. Identifiers: Orphanet 91387, MedGen C4707243, MONDO:0019625.
Melnick-Needles syndrome (MNS). Also called: MELNICK-NEEDLES OSTEODYSPLASTY; OSTEODYSPLASTY OF MELNICK AND NEEDLES; Melnick-Needles Syndrome (FLNA-MNS). Identifiers: Orphanet 2484, MedGen C0025237, MONDO:0010650, OMIM 309350.
Heterotopia, periventricular, X-linked dominant (PVNH1). Also called: PERIVENTRICULAR NODULAR HETEROTOPIA 1; X-linked periventricular heterotopia; HETEROTOPIA, PERIVENTRICULAR, 1; PERIVENTRICULAR NODULAR HETEROTOPIA 4. Identifiers: Orphanet 2149, Orphanet 82004, MedGen C1848213, MONDO:0010233, OMIM 300049.
Oto-palato-digital syndrome, type II (OPD2). Also called: OPD II SYNDROME; Otopalatodigital Syndrome, Type II; FACIOPALATOOSSEOUS SYNDROME; Otopalatodigital Syndrome Type 2 (FLNA-OPD2). Identifiers: Orphanet 669, Orphanet 90652, MedGen C1844696, MONDO:0010571, OMIM 304120.
Frontometaphyseal dysplasia (FMD1). Identifiers: Orphanet 1826, MedGen C0265293, MONDO:0015942.

Allele frequency attached by ClinVar (database versions not stated): ExAC 0.00001; gnomAD 0.00001.
gnomAD v4.1: 6 of 1,210,043 alleles (0.0005%); highest among the groups gnomAD compares: South Asian, 0.0035%; no homozygotes.

Submissions (3):

Mayo Clinic Laboratories, Mayo Clinic
Classification: Likely benign. Last evaluated: 2025-10-21. Review status: criteria provided, single submitter. Criteria: ACMG Guidelines, 2015. Collection method: clinical testing. Allele origin: germline. Observed: 1 variant allele.
Comment: BP4, BP7

Labcorp Genetics (formerly Invitae), Labcorp
Classification: Benign for Oto-palato-digital syndrome, type II; Heterotopia, periventricular, X-linked dominant; Frontometaphyseal dysplasia; Melnick-Needles syndrome. Last evaluated: 2023-12-30. Review status: criteria provided, single submitter. Criteria: Invitae Variant Classification Sherloc (09022015). Collection method: clinical testing. Allele origin: germline.

Ambry Genetics
Classification: Likely benign for Familial thoracic aortic aneurysm and aortic dissection. Last evaluated: 2022-09-19. Review status: criteria provided, single submitter. Criteria: Ambry Variant Classification Scheme 2023. Collection method: clinical testing. Allele origin: germline.